The following is an entry in ClinVar:

NM_007192.4(SUPT16H):c.1029_1040del (p.Lys343_Lys346del)

Gene: SUPT16H (SPT16 homolog, facilitates chromatin remodeling subunit; minus strand). Cytogenetic location: 14q11.2.
Variant type: Deletion.
Coding change: c.1029_1040del on transcript NM_007192.4 (MANE Select); coding-DNA positions 1029 to 1040, 12 bases deleted (AATTACCAAAAA).
Protein change: p.Lys343_Lys346del.
Genome position (GRCh38, 1-based): chr14:21,366,445-21,366,456, TTTTTGGTAATT deleted on the plus strand (AATTACCAAAAA on the coding strand, the reverse complement: SUPT16H is on the minus strand); deleting any 12 consecutive bases within chr14:21,366,445-21,366,458 gives the same sequence; the c. name uses the placement nearest the transcript's 3' end. VCF-style (leftmost placement, unchanged base first): chr14-21366444-GTTTTTGGTAATT-G. GRCh37 (hg19) VCF-style: chr14-21834603-GTTTTTGGTAATT-G.
Identifiers: ClinVar variation 3600543 (VCV003600543.1).

ClinVar aggregate classification (germline): Uncertain significance (1 of 4 stars; one submission).

Submission:

GeneDx
Classification: Uncertain significance. Last evaluated: 2024-07-24. Review status: criteria provided, single submitter. Criteria: GeneDx Variant Classification Process June 2021. Collection method: clinical testing. Allele origin: germline. Affected: yes.
Comment: In-frame deletion of 4 amino acids in a non-repeat region; Not observed at significant frequency in large population cohorts (gnomAD); In silico analysis indicates that this variant does not alter protein structure/function; Has not been previously published as pathogenic or benign to our knowledge